The following is an entry in ClinVar:

ClinVar aggregate classification (germline): Uncertain significance (1 of 4 stars; one submission).

Submission:

GeneDx
Classification: Uncertain significance. Last evaluated: 2026-04-10. Review status: criteria provided, single submitter. Criteria: GeneDx Variant Classification Process June 2021. Collection method: clinical testing. Allele origin: germline.
Comment: Not observed at significant frequency in large population cohorts (gnomAD); In silico analysis indicates that this missense variant does not alter protein structure/function; Has not been previously published as pathogenic or benign to our knowledge

NM_018489.3(ASH1L):c.586C>T (p.Leu196Phe)

Gene: ASH1L (ASH1 like histone lysine methyltransferase; minus strand). Cytogenetic location: 1q22.
Variant type: single nucleotide variant.
Coding change: c.586C>T on transcript NM_018489.3 (MANE Select); coding-DNA position 586, C replaced by T.
Protein change: p.Leu196Phe; replaces leucine 196 with phenylalanine.
Molecular consequence: missense variant.
Genome position (GRCh38, 1-based): chr1:155,482,284, G>A on the plus strand (C>T on the coding strand, the complement: ASH1L is on the minus strand). VCF-style: chr1-155482284-G-A. GRCh37 (hg19) VCF-style: chr1-155452075-G-A.
Other names: c.586C>T, p.Leu196Phe (NM_001366177.2); short protein forms L196F.
Identifiers: ClinVar variation 4527883 (VCV004527883.2).